The following is an entry in ClinVar:

NM_001035.3(RYR2):c.11306G>A (p.Gly3769Glu)

Gene: RYR2 (ryanodine receptor 2; plus strand). Cytogenetic location: 1q43.
Variant type: single nucleotide variant.
Coding change: c.11306G>A on transcript NM_001035.3 (MANE Select); coding-DNA position 11306, G replaced by A.
Protein change: p.Gly3769Glu; replaces glycine 3769 with glutamic acid.
Molecular consequence: missense variant.
Genome position (GRCh38, 1-based): chr1:237,757,757, G>A. VCF-style: chr1-237757757-G-A. GRCh37 (hg19) VCF-style: chr1-237921057-G-A.
Other names: short protein forms G3769E.
Identifiers: ClinVar variation 4808487 (VCV004808487.1).

ClinVar aggregate classification (germline): Uncertain significance (1 of 4 stars; one submission).

Conditions:
Catecholaminergic polymorphic ventricular tachycardia 1. Also called: VENTRICULAR TACHYCARDIA, STRESS-INDUCED POLYMORPHIC 1; VENTRICULAR TACHYCARDIA, CATECHOLAMINERGIC POLYMORPHIC, 1, WITH OR WITHOUT ATRIAL DYSFUNCTION AND/OR DILATED CARDIOMYOPATHY; RYR2-Related Catecholaminergic Polymorphic Ventricular Tachycardia. Identifiers: Orphanet 3286, MedGen C1631597, MONDO:0011484, OMIM 604772.

Submission:

Labcorp Genetics (formerly Invitae), Labcorp
Classification: Uncertain significance for Catecholaminergic polymorphic ventricular tachycardia 1. Last evaluated: 2025-12-26. Review status: criteria provided, single submitter. Criteria: Invitae Variant Classification Sherloc (09022015). Collection method: clinical testing. Allele origin: germline.
Comment: This sequence change replaces glycine, which is neutral and non-polar, with glutamic acid, which is acidic and polar, at codon 3769 of the RYR2 protein (p.Gly3769Glu). This variant is not present in population databases (gnomAD no frequency). This variant has not been reported in the literature in individuals affected with RYR2-related conditions. Invitae Evidence Modeling of protein sequence and biophysical properties (such as structural, functional, and spatial information, amino acid conservation, physicochemical variation, residue mobility, and thermodynamic stability) indicates that this missense variant is expected to disrupt RYR2 protein function with a positive predictive value of 95%. Algorithms developed to predict the effect of sequence changes on RNA splicing suggest that this variant may create or strengthen a splice site. In summary, the available evidence is currently insufficient to determine the role of this variant in disease. Therefore, it has been classified as a Variant of Uncertain Significance.